The following is an entry in ClinVar:

ClinVar aggregate classification (germline): Uncertain significance (1 of 4 stars; one submission).

Conditions:
Hereditary cancer-predisposing syndrome. Also called: Hereditary Cancer Syndrome; Tumor predisposition; Hereditary neoplastic syndrome; Neoplastic Syndromes, Hereditary. Identifiers: Orphanet 140162, MedGen C0027672, MeSH D009386, MONDO:0015356.
Cardiovascular phenotype. Identifiers: MedGen CN230736.

Submission:

Ambry Genetics
Classification: Uncertain significance for Cardiovascular phenotype; Hereditary cancer-predisposing syndrome. Last evaluated: 2024-07-11. Review status: criteria provided, single submitter. Criteria: Ambry Variant Classification Scheme 2023. Collection method: clinical testing. Allele origin: germline.
Comment: The p.L1102F variant (also known as c.3306A>T), located in coding exon 25 of the NF1 gene, results from an A to T substitution at nucleotide position 3306. The leucine at codon 1102 is replaced by phenylalanine, an amino acid with highly similar properties. This amino acid position is highly conserved in available vertebrate species. In addition, the in silico prediction for this alteration is inconclusive. Based on the available evidence, the clinical significance of this variant remains unclear.

NM_001042492.3(NF1):c.3306A>T (p.Leu1102Phe)

Gene: NF1 (neurofibromin 1; plus strand). Cytogenetic location: 17q11.2.
Variant type: single nucleotide variant.
Coding change: c.3306A>T on transcript NM_001042492.3 (MANE Select); coding-DNA position 3306, A replaced by T.
Protein change: p.Leu1102Phe; replaces leucine 1102 with phenylalanine.
Molecular consequence: missense variant.
Genome position (GRCh38, 1-based): chr17:31,232,181, A>T. VCF-style: chr17-31232181-A-T. GRCh37 (hg19) VCF-style: chr17-29559199-A-T.
Other names: c.3306A>T, p.Leu1102Phe (NM_000267.4); short protein forms L1102F.
Identifiers: ClinVar variation 3404643 (VCV003404643.1).